The following is an entry in ClinVar:

NM_002608.4(PDGFB):c.620G>A (p.Arg207Gln)

Gene: PDGFB (platelet derived growth factor subunit B; minus strand). Cytogenetic location: 22q13.1.
Variant type: single nucleotide variant.
Coding change: c.620G>A on transcript NM_002608.4 (MANE Select); coding-DNA position 620, G replaced by A.
Protein change: p.Arg207Gln; replaces arginine 207 with glutamine.
Molecular consequence: missense variant.
Genome position (GRCh38, 1-based): chr22:39,225,829, C>T on the plus strand (G>A on the coding strand, the complement: PDGFB is on the minus strand). VCF-style: chr22-39225829-C-T. GRCh37 (hg19) VCF-style: chr22-39621834-C-T.
Other names: c.575G>A, p.Arg192Gln (NM_033016.3); short protein forms R192Q, R207Q.
Identifiers: ClinVar variation 3210826 (VCV003210826.4), dbSNP rs779029549, ClinGen allele CA10240038.
Genomic context (GRCh38, chr22:39,225,829, plus strand): 5'-TTGAATTTCCGGTGCTTGCCCTTGGGGGGCCGGCGGACTCGCACCGTCCGAATGGTCACC[C>T]GAGTTTGGGGCGTTTTGGCTGCACAAGAAAAAGAAAGACCTCGTCAGCATGTGGACCATT-3'
Protein context (NP_002599.1, residues 197-217): QEQRAKTPQT[Arg207Gln]VTIRTVRVRR

ClinVar aggregate classification (germline): Uncertain significance. Review status: criteria provided, multiple submitters, no conflicts (2 of 4 stars). 3 submissions from 3 submitters: Uncertain significance (3). Last evaluated 2026-03-30.

Conditions:
Inborn genetic diseases. Identifiers: MedGen C0950123, MeSH D030342.

Allele frequency attached by ClinVar (database versions not stated): ExAC 0.00001; TOPMed 0.00002; gnomAD 0.00004.
gnomAD v4.1: 19 of 1,612,878 alleles (0.0012%); highest among the groups gnomAD compares: East Asian, 0.0067%; no homozygotes.

Submissions (3):

Women's Health and Genetics/Laboratory Corporation of America, LabCorp
Classification: Uncertain significance. Last evaluated: 2026-03-30. Review status: criteria provided, single submitter. Criteria: LabCorp Variant Classification Summary - May 2015. Collection method: clinical testing. Allele origin: germline.
Comment: Variant summary: PDGFB c.620G>A (p.Arg207Gln) results in a conservative amino acid change in the encoded protein sequence. Algorithms developed to predict the effect of missense changes on protein structure and function all suggest that this variant is likely to be tolerated. The variant allele was found at a frequency of 2e-05 in 250772 control chromosomes. The available data on variant occurrences in the general population are insufficient to allow any conclusion about variant significance. To our knowledge, no occurrence of c.620G>A in individuals affected with PDGFB-related conditions and no experimental evidence demonstrating its impact on protein function have been reported. ClinVar contains an entry for this variant (Variation ID: 3210826). Based on the evidence outlined above, the variant was classified as uncertain significance.

Labcorp Genetics (formerly Invitae), Labcorp
Classification: Uncertain significance. Last evaluated: 2024-03-09. Review status: criteria provided, single submitter. Criteria: Invitae Variant Classification Sherloc (09022015). Collection method: clinical testing. Allele origin: germline.
Comment: This sequence change replaces arginine, which is basic and polar, with glutamine, which is neutral and polar, at codon 207 of the PDGFB protein (p.Arg207Gln). This variant is present in population databases (rs779029549, gnomAD 0.01%). This variant has not been reported in the literature in individuals affected with PDGFB-related conditions. Advanced modeling of protein sequence and biophysical properties (such as structural, functional, and spatial information, amino acid conservation, physicochemical variation, residue mobility, and thermodynamic stability) performed at Invitae indicates that this missense variant is not expected to disrupt PDGFB protein function with a negative predictive value of 80%. In summary, the available evidence is currently insufficient to determine the role of this variant in disease. Therefore, it has been classified as a Variant of Uncertain Significance.

Ambry Genetics
Classification: Uncertain significance for Inborn genetic diseases. Last evaluated: 2024-03-07. Review status: criteria provided, single submitter. Criteria: Ambry Variant Classification Scheme 2023. Collection method: clinical testing. Allele origin: germline.